The following is an entry in ClinVar:

NM_015057.5(MYCBP2):c.6916-8A>G

Gene: MYCBP2 (MYC binding protein 2; minus strand). Cytogenetic location: 13q22.3.
Variant type: single nucleotide variant.
Coding change: c.6916-8A>G on transcript NM_015057.5 (MANE Select); 8 bases into the intron before coding-DNA position 6916, A replaced by G.
Molecular consequence: intron variant.
Genome position (GRCh38, 1-based): chr13:77,150,957, T>C on the plus strand (A>G on the coding strand, the complement: MYCBP2 is on the minus strand). VCF-style: chr13-77150957-T-C. GRCh37 (hg19) VCF-style: chr13-77725092-T-C.
Identifiers: ClinVar variation 4990823 (VCV004990823.1).

ClinVar aggregate classification (germline): Likely benign (1 of 4 stars; one submission).

Conditions:
MYCBP2-related disorder. Also called: MYCBP2-related condition.

gnomAD v4.1: 377 of 1,610,644 alleles (0.023%); highest among the groups gnomAD compares: African/African-American, 0.37%; 2 homozygotes.

Submission:

PreventionGenetics, part of Exact Sciences
Classification: Likely benign for MYCBP2-related condition. Last evaluated: 2025-07-18. Review status: criteria provided, single submitter. Criteria: ACMG Guidelines, 2015. Collection method: clinical testing. Allele origin: germline.
Comment: This variant is classified as likely benign based on ACMG/AMP sequence variant interpretation guidelines (Richards et al. 2015 PMID: 25741868, with internal and published modifications).